The following is an entry in ClinVar:

ClinVar aggregate classification (germline): Uncertain significance. Review status: criteria provided, multiple submitters, no conflicts (2 of 4 stars). 2 submissions from 2 submitters: Uncertain significance (2). Last evaluated 2025-12-02.

Conditions:
Inborn genetic diseases. Identifiers: MedGen C0950123, MeSH D030342.

Allele frequency attached by ClinVar (database versions not stated): gnomAD 0.00001; ExAC 0.00002; ESP Exome Variant Server 0.00008.
gnomAD v4.1: 24 of 1,613,574 alleles (0.0015%); highest among the groups gnomAD compares: Non-Finnish European, 0.0018%; no homozygotes.

Submissions (2):

Ambry Genetics
Classification: Uncertain significance for Inborn genetic diseases. Last evaluated: 2025-12-02. Review status: criteria provided, single submitter. Criteria: Ambry Variant Classification Scheme 2023. Collection method: clinical testing. Allele origin: germline.

Labcorp Genetics (formerly Invitae), Labcorp
Classification: Uncertain significance. Last evaluated: 2025-06-23. Review status: criteria provided, single submitter. Criteria: Invitae Variant Classification Sherloc (09022015). Collection method: clinical testing. Allele origin: germline.
Comment: This sequence change replaces arginine, which is basic and polar, with histidine, which is basic and polar, at codon 105 of the DCHS1 protein (p.Arg105His). This variant is present in population databases (rs376015879, gnomAD 0.003%). This variant has not been reported in the literature in individuals affected with DCHS1-related conditions. ClinVar contains an entry for this variant (Variation ID: 2180102). Invitae Evidence Modeling of protein sequence and biophysical properties (such as structural, functional, and spatial information, amino acid conservation, physicochemical variation, residue mobility, and thermodynamic stability) indicates that this missense variant is not expected to disrupt DCHS1 protein function with a negative predictive value of 80%. In summary, the available evidence is currently insufficient to determine the role of this variant in disease. Therefore, it has been classified as a Variant of Uncertain Significance.

NM_003737.4(DCHS1):c.314G>A (p.Arg105His)

Gene: DCHS1 (dachsous cadherin-related 1; minus strand). Cytogenetic location: 11p15.4.
Variant type: single nucleotide variant.
Coding change: c.314G>A on transcript NM_003737.4 (MANE Select); coding-DNA position 314, G replaced by A.
Protein change: p.Arg105His; replaces arginine 105 with histidine.
Molecular consequence: missense variant.
Genome position (GRCh38, 1-based): chr11:6,641,300, C>T on the plus strand (G>A on the coding strand, the complement: DCHS1 is on the minus strand). VCF-style: chr11-6641300-C-T. GRCh37 (hg19) VCF-style: chr11-6662531-C-T.
Other names: c.314G>A (NM_003737.2); short protein forms R105H.
Identifiers: ClinVar variation 2180102 (VCV002180102.5), dbSNP rs376015879, ClinGen allele CA5861173.